The following is an entry in ClinVar:

ClinVar aggregate classification (germline): Uncertain significance. Review status: criteria provided, multiple submitters, no conflicts (2 of 4 stars). 2 submissions from 2 submitters: Uncertain significance (2). Last evaluated 2025-04-03.

Conditions:
Hereditary cancer-predisposing syndrome. Also called: Tumor predisposition; Hereditary neoplastic syndrome; Neoplastic Syndromes, Hereditary; Hereditary Cancer Syndrome. Identifiers: Orphanet 140162, MedGen C0027672, MeSH D009386, MONDO:0015356.

Submissions (2):

Ambry Genetics
Classification: Uncertain significance for Hereditary cancer-predisposing syndrome. Last evaluated: 2025-04-03. Review status: criteria provided, single submitter. Criteria: Ambry Variant Classification Scheme 2023. Collection method: clinical testing. Allele origin: germline.
Comment: The p.I197L variant (also known as c.589A>C), located in coding exon 5 of the FH gene, results from an A to C substitution at nucleotide position 589. The isoleucine at codon 197 is replaced by leucine, an amino acid with highly similar properties. This amino acid position is highly conserved in available vertebrate species. In addition, this alteration is predicted to be deleterious by in silico analysis. Based on the available evidence, the clinical significance of this variant remains unclear.

Labcorp Genetics (formerly Invitae), Labcorp
Classification: Uncertain significance. Last evaluated: 2022-02-09. Review status: criteria provided, single submitter. Criteria: Invitae Variant Classification Sherloc (09022015). Collection method: clinical testing. Allele origin: germline.
Comment: This sequence change replaces isoleucine, which is neutral and non-polar, with leucine, which is neutral and non-polar, at codon 197 of the FH protein (p.Ile197Leu). This variant is not present in population databases (gnomAD no frequency). This variant has not been reported in the literature in individuals affected with FH-related conditions. ClinVar contains an entry for this variant (Variation ID: 1011252). Advanced modeling of protein sequence and biophysical properties (such as structural, functional, and spatial information, amino acid conservation, physicochemical variation, residue mobility, and thermodynamic stability) performed at Invitae indicates that this missense variant is expected to disrupt FH protein function. In summary, the available evidence is currently insufficient to determine the role of this variant in disease. Therefore, it has been classified as a Variant of Uncertain Significance.

NM_000143.4(FH):c.589A>C (p.Ile197Leu)

Gene: FH (fumarate hydratase; minus strand). Cytogenetic location: 1q43.
Variant type: single nucleotide variant.
Coding change: c.589A>C on transcript NM_000143.4 (MANE Select); coding-DNA position 589, A replaced by C.
Protein change: p.Ile197Leu; replaces isoleucine 197 with leucine.
Molecular consequence: missense variant.
Genome position (GRCh38, 1-based): chr1:241,508,752, T>G on the plus strand (A>C on the coding strand, the complement: FH is on the minus strand). VCF-style: chr1-241508752-T-G. GRCh37 (hg19) VCF-style: chr1-241672052-T-G.
Other names: c.589A>C (NM_000143.3); short protein forms I197L.
Identifiers: ClinVar variation 1011252 (VCV001011252.10), dbSNP rs201764931, ClinGen allele CA345439439.
Genomic context (GRCh38, chr1:241,508,752, plus strand): 5'-CATCATGTAACTTCTGTAGTCCTGGTAACAGTACTTCATGAACTTCTATTGCAGCAGCAA[T>G]GTGCATTGCTGTGGGAAAAGTATCATTTGAGCTCTGTTGGAAATTTTTCAAAAGAAATAT-3'
Protein context (NP_000134.2, residues 187-207): SNDTFPTAMH[Ile197Leu]AAAIEVHEVL